The following is an entry in ClinVar:

ClinVar aggregate classification (germline): Uncertain significance (1 of 4 stars; one submission).

Conditions:
Tuberous sclerosis 2 (TSC2). Identifiers: Orphanet 805, MedGen C1860707, MONDO:0013199, OMIM 613254.

Submission:

Labcorp Genetics (formerly Invitae), Labcorp
Classification: Uncertain significance for Tuberous sclerosis 2. Last evaluated: 2025-07-06. Review status: criteria provided, single submitter. Criteria: Invitae Variant Classification Sherloc (09022015). Collection method: clinical testing. Allele origin: germline.
Comment: This sequence change replaces leucine, which is neutral and non-polar, with glutamine, which is neutral and polar, at codon 844 of the TSC2 protein (p.Leu844Gln). This variant is not present in population databases (gnomAD no frequency). This variant has not been reported in the literature in individuals affected with TSC2-related conditions. ClinVar contains an entry for this variant (Variation ID: 1043402). Invitae Evidence Modeling of protein sequence and biophysical properties (such as structural, functional, and spatial information, amino acid conservation, physicochemical variation, residue mobility, and thermodynamic stability) has been performed for this missense variant. However, the output from this modeling did not meet the statistical confidence thresholds required to predict the impact of this variant on TSC2 protein function. In summary, the available evidence is currently insufficient to determine the role of this variant in disease. Therefore, it has been classified as a Variant of Uncertain Significance.

NM_000548.5(TSC2):c.2531T>A (p.Leu844Gln)

Gene: TSC2 (TSC complex subunit 2; plus strand). Cytogenetic location: 16p13.3.
Variant type: single nucleotide variant.
Coding change: c.2531T>A on transcript NM_000548.5 (MANE Select); coding-DNA position 2531, T replaced by A.
Protein change: p.Leu844Gln; replaces leucine 844 with glutamine.
Molecular consequence: missense variant.
Genome position (GRCh38, 1-based): chr16:2,074,375, T>A. VCF-style: chr16-2074375-T-A. GRCh37 (hg19) VCF-style: chr16-2124376-T-A.
Other names: c.2531T>A, p.Leu844Gln (NM_001077183.3, NM_001114382.3, NM_001363528.2 and 3 more transcripts); c.2420T>A, p.Leu807Gln (NM_001318827.2); c.2384T>A, p.Leu795Gln (NM_001318829.2); c.1931T>A, p.Leu644Gln (NM_001318831.2); c.2564T>A, p.Leu855Gln (NM_001318832.2); short protein forms L844Q, L855Q, L795Q, L644Q, L807Q.
Identifiers: ClinVar variation 1043402 (VCV001043402.8), dbSNP rs397515303, ClinGen allele CA394277976.